The following is an entry in ClinVar:

ClinVar aggregate classification (germline): Uncertain significance. Review status: criteria provided, multiple submitters, no conflicts (2 of 4 stars). 2 submissions from 2 submitters: Uncertain significance (2). Last evaluated 2024-02-28.

Conditions:
Cardiovascular phenotype. Identifiers: MedGen CN230736.
Arrhythmogenic right ventricular dysplasia 12. Also called: ARRHYTHMOGENIC RIGHT VENTRICULAR DYSPLASIA, FAMILIAL, 12. Identifiers: MedGen C1969081, MONDO:0012684, OMIM 611528.
Naxos disease (NXD). Also called: KERATOSIS PALMOPLANTARIS WITH ARRHYTHMOGENIC CARDIOMYOPATHY; MAL DE NAXOS; PALMOPLANTAR KERATODERMA WITH ARRHYTHMOGENIC RIGHT VENTRICULAR CARDIOMYOPATHY AND WOOLLY HAIR; WOOLLY HAIR, PALMOPLANTAR KERATODERMA, AND CARDIAC ABNORMALITIES; CARDIOMYOPATHY, ARRHYTHMOGENIC RIGHT VENTRICULAR, WITH SKIN, HAIR, AND NAIL ABNORMALITIES. Identifiers: Orphanet 34217, MedGen C1832600, MONDO:0011017, OMIM 601214.

Allele frequency attached by ClinVar (database versions not stated): gnomAD exomes below 0.00001; gnomAD 0.00002; TOPMed 0.00002; ExAC 0.00003.
gnomAD v4.1: 6 of 1,607,098 alleles (0.00037%); highest among the groups gnomAD compares: African/African-American, 0.0053%; no homozygotes.

Submissions (2):

Ambry Genetics
Classification: Uncertain significance for Cardiovascular phenotype. Last evaluated: 2024-02-28. Review status: criteria provided, single submitter. Criteria: Ambry Variant Classification Scheme 2023. Collection method: clinical testing. Allele origin: germline.

Labcorp Genetics (formerly Invitae), Labcorp
Classification: Uncertain significance for Arrhythmogenic right ventricular dysplasia 12; Naxos disease. Last evaluated: 2023-01-02. Review status: criteria provided, single submitter. Criteria: Invitae Variant Classification Sherloc (09022015). Collection method: clinical testing. Allele origin: germline.
Comment: Algorithms developed to predict the effect of missense changes on protein structure and function are either unavailable or do not agree on the potential impact of this missense change (SIFT: "Deleterious"; PolyPhen-2: "Probably Damaging"; Align-GVGD: "Class C0"). In summary, the available evidence is currently insufficient to determine the role of this variant in disease. Therefore, it has been classified as a Variant of Uncertain Significance. This variant has not been reported in the literature in individuals affected with JUP-related conditions. The frequency data for this variant in the population databases is considered unreliable, as metrics indicate poor data quality at this position in the gnomAD database. This sequence change replaces leucine, which is neutral and non-polar, with phenylalanine, which is neutral and non-polar, at codon 504 of the JUP protein (p.Leu504Phe).

NM_002230.4(JUP):c.1512G>T (p.Leu504Phe)

Gene: JUP (junction plakoglobin; minus strand). Cytogenetic location: 17q21.2.
Variant type: single nucleotide variant.
Coding change: c.1512G>T on transcript NM_002230.4 (MANE Select); coding-DNA position 1512, G replaced by T.
Protein change: p.Leu504Phe; replaces leucine 504 with phenylalanine.
Molecular consequence: missense variant.
Genome position (GRCh38, 1-based): chr17:41,758,856, C>A on the plus strand (G>T on the coding strand, the complement: JUP is on the minus strand). VCF-style: chr17-41758856-C-A. GRCh37 (hg19) VCF-style: chr17-39915108-C-A.
Other names: c.1512G>T, p.Leu504Phe (NM_001352773.2, NM_001352774.2, NM_001352775.2 and 3 more transcripts); short protein forms L504F.
Identifiers: ClinVar variation 2933757 (VCV002933757.4), dbSNP rs781843321, ClinGen allele CA8565192.